The following is an entry in ClinVar:

ClinVar aggregate classification (germline): Likely benign. Review status: criteria provided, multiple submitters, no conflicts (2 of 4 stars). 2 submissions from 2 submitters: Likely benign (2). Last evaluated 2024-10-28.

Conditions:
ERCC6-related disorder. Also called: ERCC6-related condition; ERCC6-related disorders. Identifiers: MedGen CN239385.

Allele frequency attached by ClinVar (database versions not stated): gnomAD exomes below 0.00001.
gnomAD v4.1: 1 of 1,614,160 alleles (0.000062%); highest among the groups gnomAD compares: African/African-American, 0.0013%; no homozygotes.

Submissions (2):

PreventionGenetics, part of Exact Sciences
Classification: Likely benign for ERCC6-related condition. Last evaluated: 2024-10-28. Review status: criteria provided, single submitter. Criteria: ACMG Guidelines, 2015. Collection method: clinical testing. Allele origin: germline.
Comment: This variant is classified as likely benign based on ACMG/AMP sequence variant interpretation guidelines (Richards et al. 2015 PMID: 25741868, with internal and published modifications).

Labcorp Genetics (formerly Invitae), Labcorp
Classification: Likely benign. Last evaluated: 2023-12-31. Review status: criteria provided, single submitter. Criteria: Invitae Variant Classification Sherloc (09022015). Collection method: clinical testing. Allele origin: germline.

NM_000124.4(ERCC6):c.3129C>A (p.Ala1043=)

Gene: ERCC6 (ERCC excision repair 6, chromatin remodeling factor; minus strand). Cytogenetic location: 10q11.23.
Variant type: single nucleotide variant.
Coding change: c.3129C>A on transcript NM_000124.4 (MANE Select); coding-DNA position 3129, C replaced by A.
Protein change: p.Ala1043=; no amino-acid change (alanine 1043 retained).
Molecular consequence: synonymous variant.
Genome position (GRCh38, 1-based): chr10:49,470,831, G>T on the plus strand (C>A on the coding strand, the complement: ERCC6 is on the minus strand). VCF-style: chr10-49470831-G-T. GRCh37 (hg19) VCF-style: chr10-50678877-G-T.
Other names: c.3129C>A, p.Ala1043= (NM_001346440.2); c.3129C>A (NM_000124.3).
Identifiers: ClinVar variation 1110983 (VCV001110983.10), dbSNP rs917539053, ClinGen allele CA469789185.